The following is an entry in ClinVar:

ClinVar aggregate classification (germline): Likely pathogenic (1 of 4 stars; one submission).

Conditions:
Autosomal recessive limb-girdle muscular dystrophy type 2E (LGMDR4). Also called: MUSCULAR DYSTROPHY, LIMB-GIRDLE, AUTOSOMAL RECESSIVE 4. Identifiers: Orphanet 119, MedGen C1858593, MONDO:0011423, OMIM 604286. Disease mechanism: Affects gamma-sarcoglycan and also disrupts the integrity of the entire sarcoglycan complex..

Submission:

Natera, Inc.
Classification: Likely pathogenic for Limb-girdle muscular dystrophy type 2E. Last evaluated: 2024-10-07. Review status: criteria provided, single submitter. Criteria: Natera Variant Classification Schema (03/2026). Collection method: clinical testing. Allele origin: germline.
Comment: The c.244-2A>T variant in SGCB is a canonical splice acceptor site variant predicted to affect pre-mRNA splicing, which may result in an abnormal transcript and altered protein product. This variant is expected to result in nonsense mediated decay, truncation, or a dysfunctional protein product. This variant is rare in the general population with a frequency below the threshold expected for the associated phenotype(s). Given the available evidence, this variant is classified as Likely Pathogenic.

NM_000232.5(SGCB):c.244-2A>T

Gene: SGCB (sarcoglycan beta; minus strand). Cytogenetic location: 4q12.
Variant type: single nucleotide variant.
Coding change: c.244-2A>T on transcript NM_000232.5 (MANE Select); the canonical splice acceptor site of the intron before coding-DNA position 244, A replaced by T.
Molecular consequence: splice acceptor variant.
Genome position (GRCh38, 1-based): chr4:52,029,865, T>A on the plus strand (A>T on the coding strand, the complement: SGCB is on the minus strand). VCF-style: chr4-52029865-T-A. GRCh37 (hg19) VCF-style: chr4-52896031-T-A.
Other names: c.34-2A>T (NM_001440519.1); c.-54-2A>T (NM_001440520.1).
Identifiers: ClinVar variation 4817944 (VCV004817944.1).